The following is an entry in ClinVar:

ClinVar aggregate classification (germline): Uncertain significance. Review status: criteria provided, multiple submitters, no conflicts (2 of 4 stars). 2 submissions from 2 submitters: Uncertain significance (2). Last evaluated 2026-09-23.

Conditions:
Long QT syndrome (LQTS). Identifiers: MedGen C0023976, MeSH D008133, MONDO:0002442. Disease mechanism: loss of function. Inheritance: Various modes of inheritance.

Submissions (2):

GeneDx
Classification: Uncertain significance. Last evaluated: 2026-09-23. Review status: criteria provided, single submitter. Criteria: GeneDx Variant Classification Process June 2021. Collection method: clinical testing. Allele origin: germline.
Comment: Frameshift variant predicted to result in protein truncation or nonsense mediated decay in a gene or region of a gene for which loss of function is not a well-established mechanism of disease; Not observed at significant frequency in large population cohorts (gnomAD); Has not been previously published as pathogenic or benign to our knowledge; Variants in candidate genes are classified as variants of uncertain significance in accordance with ACMG guidelines (PMID: 25741868)

Labcorp Genetics (formerly Invitae), Labcorp
Classification: Uncertain significance for Long QT syndrome. Last evaluated: 2020-03-18. Review status: criteria provided, single submitter. Criteria: Invitae Variant Classification Sherloc (09022015). Collection method: clinical testing. Allele origin: germline.
Comment: In summary, the available evidence is currently insufficient to determine the role of this variant in disease. Therefore, it has been classified as a Variant of Uncertain Significance. The current clinical and genetic evidence is not sufficient to establish whether loss-of-function variants in AKAP9 cause disease. This variant has not been reported in the literature in individuals with AKAP9-related conditions. This variant is not present in population databases (ExAC no frequency). This sequence change creates a premature translational stop signal (p.Val1016Alafs*4) in the AKAP9 gene. It is expected to result in an absent or disrupted protein product.

NM_005751.5(AKAP9):c.3047_3050del (p.Val1016fs)

Gene: AKAP9 (A-kinase anchoring protein 9; plus strand). Cytogenetic location: 7q21.2.
Variant type: Deletion.
Coding change: c.3047_3050del on transcript NM_005751.5 (MANE Select); coding-DNA positions 3047 to 3050, 4 bases deleted (TAAG; older notation c.3047_3050delTAAG).
Protein change: p.Val1016fs; shifts the reading frame from valine 1016.
Molecular consequence: frameshift variant.
Genome position (GRCh38, 1-based): chr7:92,002,964-92,002,967, TAAG deleted; deleting any 4 consecutive bases within chr7:92,002,961-92,002,967 gives the same sequence; the c. name uses the placement nearest the transcript's 3' end. VCF-style (leftmost placement, unchanged base first): chr7-92002960-CAAGT-C. GRCh37 (hg19) VCF-style: chr7-91632274-CAAGT-C.
Other names: c.3047_3050del, p.Val1016fs (NM_147185.3); c.3047_3050del (NM_005751.4); short protein forms V1016fs.
Identifiers: ClinVar variation 999647 (VCV000999647.8), dbSNP rs1799349510, ClinGen allele CA1725684093.